The following is an entry in ClinVar:

NM_001160372.4(TRAPPC9):c.3279+1G>A

Gene: TRAPPC9 (trafficking protein particle complex subunit 9; minus strand). Cytogenetic location: 8q24.3.
Variant type: single nucleotide variant.
Coding change: c.3279+1G>A on transcript NM_001160372.4 (MANE Select); the canonical splice donor site of the intron after coding-DNA position 3279, G replaced by A.
Molecular consequence: splice donor variant.
Genome position (GRCh38, 1-based): chr8:139,731,978, C>T on the plus strand (G>A on the coding strand, the complement: TRAPPC9 is on the minus strand). VCF-style: chr8-139731978-C-T. GRCh37 (hg19) VCF-style: chr8-140744221-C-T.
Other names: c.3279+1G>A (NM_031466.8); c.3252+1G>A (NM_001321646.2); c.3135+1G>A (NM_001374684.1); c.3168+1G>A (NM_001374683.1); c.3300+1G>A (NM_001374682.1).
Identifiers: ClinVar variation 1686272 (VCV001686272.3), dbSNP rs1489634479, ClinGen allele CA372732660.

ClinVar aggregate classification (germline): Pathogenic/Likely pathogenic. Review status: criteria provided, multiple submitters, no conflicts (2 of 4 stars). 2 submissions from 2 submitters: Pathogenic (1); Likely pathogenic (1). Last evaluated 2025-08-01.

Conditions:
Intellectual developmental disorder, autosomal recessive 13. Also called: Intellectual disability, autosomal recessive 13. Identifiers: Orphanet 88616, MedGen C2750791, MONDO:0013173, OMIM 613192.

Allele frequency attached by ClinVar (database versions not stated): gnomAD exomes below 0.00001 and 0.00001; TOPMed 0.00002.
gnomAD v4.1: 2 of 1,572,486 alleles (0.00013%); highest among the groups gnomAD compares: Non-Finnish European, 0.000086%; no homozygotes.

Submissions (2):

Dasa
Classification: Likely pathogenic. Last evaluated: 2025-08-01. Review status: criteria provided, single submitter. Criteria: DASA Assertion Criteria. Collection method: clinical testing. Allele origin: germline.
Comment: NM_001160372.4(TRAPPC9):c.3279+1G>A affects a canonical splice site and is predicted to disrupt normal RNA splicing. Loss of function is an established disease mechanism for TRAPPC9-associated disorders. Also, this variant is rare in population databases. Based on the currently available evidence, this variant is classified as likely pathogenic.

Mendelics
Classification: Pathogenic for Intellectual developmental disorder, autosomal recessive 13. Last evaluated: 2022-05-04. Review status: criteria provided, single submitter. Criteria: Mendelics Assertion Criteria 2019. Collection method: clinical testing. Allele origin: germline.